The following is an entry in ClinVar:

ClinVar aggregate classification (germline): Pathogenic. Review status: criteria provided, multiple submitters, no conflicts (2 of 4 stars). 13 submissions from 13 submitters: Pathogenic (13). Last evaluated 2025-10-06.

Conditions:
PKHD1-related disorder. Also called: PKHD1-related condition.
Polycystic kidney disease 4 (PKD4). Also called: POLYCYSTIC KIDNEY AND HEPATIC DISEASE 1; POLYCYSTIC KIDNEY DISEASE, INFANTILE, TYPE I; POLYCYSTIC KIDNEY DISEASE 4 WITH OR WITHOUT POLYCYSTIC LIVER DISEASE; PKD3; Autosomal Recessive Polycystic Kidney Disease – PKHD1. Identifiers: MedGen C4540575, MONDO:0033004, OMIM 263200.
Autosomal recessive polycystic kidney disease (ARPKD). Also called: AR polycystic kidney disease. Identifiers: Orphanet 731, Orphanet 8378, MedGen C0085548, MeSH D017044, MONDO:0009889.
Abnormal intrahepatic bile duct morphology. Identifiers: MedGen C4023577, HP:0011040.

Allele frequency attached by ClinVar (database versions not stated): TOPMed below 0.00001; gnomAD 0.00001; gnomAD exomes 0.00001; ExAC 0.00002.

Submissions (13):

Otogenetics
Classification: Pathogenic for Autosomal recessive polycystic kidney disease. Last evaluated: 2025-10-06. Review status: criteria provided, single submitter. Criteria: ACMG Guidelines, 2015. Collection method: clinical testing. Allele origin: germline.
Comment: PVS1: Stop gain variant introduces premature stop codon in gene with loss of function as mechanism of disease, predicted to undergo NMD; PM2: Maximum gnomAD MAF of 0.008% in African (AFR) subpopulation (<0.271% threshold); PM3_Strong: Variant reported in trans with four other pathogenic variants in four affected patients, phase confirmed by parental testing (PMID: 15805161, 19940839, 26695994, 33532864)

CeGaT Center for Human Genetics Tuebingen
Classification: Pathogenic. Last evaluated: 2025-10-01. Review status: criteria provided, single submitter. Criteria: CeGaT Center For Human Genetics Tuebingen Variant Classification Criteria Version 2. Collection method: clinical testing. Allele origin: germline. Affected: yes. Observed: 1 variant allele.
Comment: PKHD1: PVS1, PM3:Strong, PM2

Natera, Inc.
Classification: Pathogenic for Autosomal recessive polycystic kidney disease. Last evaluated: 2025-06-30. Review status: criteria provided, single submitter. Criteria: Natera Variant Classification Schema (03/2026). Collection method: clinical testing. Allele origin: germline.
Comment: The c.370C>T variant in PKHD1 is a nonsense variant predicted to introduce a stop codon at amino acid 124. This variant is expected to result in nonsense mediated decay, truncation, or a dysfunctional protein product. This variant is rare in the general population with a frequency below the threshold expected for the associated phenotype(s). This variant has been observed in one or more individuals affected with the associated recessive disease, as either homozygous or compound heterozygous with a second variant (PMID: 27225849). Given the available evidence, this variant is classified as Pathogenic.

Blueprint Genetics
Classification: Pathogenic for PKHD1-related disorders. Last evaluated: 2024-09-12. Review status: criteria provided, single submitter. Criteria: ACMG Guidelines, 2015. Collection method: clinical testing. Allele origin: germline. Affected: yes. Observed: 5 variant alleles.

Fulgent Genetics
Classification: Pathogenic for Polycystic kidney disease 4. Last evaluated: 2024-03-10. Review status: criteria provided, single submitter. Criteria: ACMG Guidelines, 2015. Collection method: clinical testing. Allele origin: germline.

Labcorp Genetics (formerly Invitae), Labcorp
Classification: Pathogenic for Autosomal recessive polycystic kidney disease. Last evaluated: 2024-03-06. Review status: criteria provided, single submitter. Criteria: Invitae Variant Classification Sherloc (09022015). Collection method: clinical testing. Allele origin: germline.
Comment: This sequence change creates a premature translational stop signal (p.Arg124*) in the PKHD1 gene. It is expected to result in an absent or disrupted protein product. Loss-of-function variants in PKHD1 are known to be pathogenic (PMID: 19940839). This variant is present in population databases (rs727504096, gnomAD 0.008%). This premature translational stop signal has been observed in individuals with polycystic kidney disease (PMID: 15805161, 27225849). ClinVar contains an entry for this variant (Variation ID: 167499). Algorithms developed to predict the effect of sequence changes on RNA splicing suggest that this variant may disrupt the consensus splice site. For these reasons, this variant has been classified as Pathogenic.

Laboratory of Medical Genetics, National & Kapodistrian University of Athens
Classification: Pathogenic for Polycystic kidney disease 4. Last evaluated: 2024-02-01. Review status: criteria provided, single submitter. Criteria: ACMG Guidelines, 2015. Collection method: curation. Allele origin: germline. Affected: no.

Centre of Medical Genetics, University Hospital Muenster
Classification: Pathogenic. Last evaluated: 2021-12-08. Review status: criteria provided, single submitter. Criteria: ACMG Guidelines, 2015. Collection method: clinical testing. Allele origin: unknown. Affected: yes. Observed: 1 variant allele, 1 heterozygote.
Comment: ACMG categories: PVS1,PM2,PP5

Women's Health and Genetics/Laboratory Corporation of America, LabCorp
Classification: Pathogenic for Autosomal recessive polycystic kidney disease. Last evaluated: 2020-10-30. Review status: criteria provided, single submitter. Criteria: LabCorp Variant Classification Summary - May 2015. Collection method: clinical testing. Allele origin: germline.
Comment: Variant summary: PKHD1 c.370C>T (p.Arg124X) results in a premature termination codon, predicted to cause a truncation of the encoded protein or absence of the protein due to nonsense mediated decay, which are commonly known mechanisms for disease. Truncations downstream of this position have been classified as pathogenic by our laboratory. The variant allele was found at a frequency of 8e-06 in 251434 control chromosomes (gnomAD). c.370C>T has been reported in the literature in multiple individuals affected with Polycystic Kidney And Hepatic Disease (e.g. Sharp_2005, Denamur_2010, Obeidova_2015, Melchionda_2016). These data indicate that the variant is very likely to be associated with disease. To our knowledge, no experimental evidence demonstrating an impact on protein function has been reported. Two ClinVar submitters (evaluation after 2014) cite the variant as pathogenic. Based on the evidence outlined above, the variant was classified as pathogenic.

Molecular Biology Laboratory, Fundació Puigvert
Classification: Pathogenic for Polycystic kidney disease 4. Last evaluated: 2020-02-01. Review status: criteria provided, single submitter. Criteria: ACMG Guidelines, 2015. Collection method: research. Allele origin: maternal. Affected: yes. Study: KidneyPanel_2020.

Centre for Mendelian Genomics, University Medical Centre Ljubljana
Classification: Pathogenic for Abnormal intrahepatic bile duct morphology. Last evaluated: 2017-01-01. Review status: criteria provided, single submitter. Criteria: ACMG Guidelines, 2015. Collection method: clinical testing. Allele origin: unknown. Affected: yes.

Eurofins Ntd Llc (ga)
Classification: Pathogenic. Last evaluated: 2014-03-21. Review status: criteria provided, single submitter. Criteria: EGL Classification Definitions. Collection method: clinical testing. Allele origin: germline. Observed: 1 variant allele, 1 heterozygote.

Baylor Genetics
Classification: Pathogenic for Polycystic kidney disease 4. Review status: criteria provided, single submitter. Criteria: ACMG Guidelines, 2015. Collection method: clinical testing. Allele origin: germline.

Literature cited by the submitters: PubMed 15805161 (cited by 3 submitters); PubMed 19940839 (cited by 3 submitters); PubMed 26695994 (cited by Otogenetics and Women's Health and Genetics/Laboratory Corporation of America, LabCorp); PubMed 33532864 (cited by Otogenetics and Molecular Biology Laboratory, Fundació Puigvert); PubMed 27225849 (cited by 3 submitters).

NM_138694.4(PKHD1):c.370C>T (p.Arg124Ter)

Gene: PKHD1 (PKHD1 ciliary IPT domain containing fibrocystin/polyductin; minus strand). Cytogenetic location: 6p12.2.
Variant type: single nucleotide variant.
Coding change: c.370C>T on transcript NM_138694.4 (MANE Select); coding-DNA position 370, C replaced by T.
Protein change: p.Arg124Ter; replaces arginine 124 with a stop codon.
Molecular consequence: nonsense.
Genome position (GRCh38, 1-based): chr6:52,079,920, G>A on the plus strand (C>T on the coding strand, the complement: PKHD1 is on the minus strand). VCF-style: chr6-52079920-G-A. GRCh37 (hg19) VCF-style: chr6-51944718-G-A.
Other names: c.370C>T, p.Arg124Ter (NM_170724.3); c.370C>T (NM_170724.2); short protein forms R124*.
Identifiers: ClinVar variation 167499 (VCV000167499.39), dbSNP rs727504096, ClinGen allele CA234592.